The following is an entry in ClinVar:

NM_000465.4(BARD1):c.974A>G (p.His325Arg)

Gene: BARD1 (BRCA1 associated RING domain 1; minus strand). Cytogenetic location: 2q35.
Variant type: single nucleotide variant.
Coding change: c.974A>G on transcript NM_000465.4 (MANE Select); coding-DNA position 974, A replaced by G.
Protein change: p.His325Arg; replaces histidine 325 with arginine.
Molecular consequence: missense variant. On other transcripts: non-coding transcript variant (2), intron variant (3).
Genome position (GRCh38, 1-based): chr2:214,780,900, T>C on the plus strand (A>G on the coding strand, the complement: BARD1 is on the minus strand). VCF-style: chr2-214780900-T-C. GRCh37 (hg19) VCF-style: chr2-215645624-T-C.
Other names: c.917A>G, p.His306Arg (NM_001282543.2); c.159-28345A>G (NM_001282548.2); c.215+16161A>G (NM_001282545.2); c.364+11397A>G (NM_001282549.2); short protein forms H306R, H325R.
Identifiers: ClinVar variation 1397079 (VCV001397079.9), dbSNP rs768621478, ClinGen allele CA2090355.

ClinVar aggregate classification (germline): Conflicting classifications of pathogenicity. Review status: criteria provided, conflicting classifications (1 of 4 stars). 2 submissions from 2 submitters: Uncertain significance (1); Likely benign (1). Last evaluated 2024-04-29.

Conditions:
Hereditary cancer-predisposing syndrome. Also called: Hereditary Cancer Syndrome; Hereditary neoplastic syndrome; Tumor predisposition; Neoplastic Syndromes, Hereditary. Identifiers: Orphanet 140162, MedGen C0027672, MeSH D009386, MONDO:0015356.
Familial cancer of breast. Also called: hereditary breast carcinoma; Hereditary breast cancer; BREAST CANCER, FAMILIAL. Identifiers: Orphanet 227535, MedGen C0346153, MONDO:0016419, OMIM 114480. Disease mechanism: loss of function.

Allele frequency attached by ClinVar (database versions not stated): gnomAD exomes below 0.00001; ExAC 0.00001.
gnomAD v4.1: 1 of 1,614,146 alleles (0.000062%); highest among the groups gnomAD compares: South Asian, 0.0011%; no homozygotes.

Submissions (2):

Labcorp Genetics (formerly Invitae), Labcorp
Classification: Uncertain significance for Familial cancer of breast. Last evaluated: 2024-04-29. Review status: criteria provided, single submitter. Criteria: Invitae Variant Classification Sherloc (09022015). Collection method: clinical testing. Allele origin: germline.
Comment: This sequence change replaces histidine, which is basic and polar, with arginine, which is basic and polar, at codon 325 of the BARD1 protein (p.His325Arg). This variant is not present in population databases (gnomAD no frequency). This variant has not been reported in the literature in individuals affected with BARD1-related conditions. ClinVar contains an entry for this variant (Variation ID: 1397079). Algorithms developed to predict the effect of missense changes on protein structure and function output the following: SIFT: "Not Available"; PolyPhen-2: "Benign"; Align-GVGD: "Not Available". The arginine amino acid residue is found in multiple mammalian species, which suggests that this missense change does not adversely affect protein function. In summary, the available evidence is currently insufficient to determine the role of this variant in disease. Therefore, it has been classified as a Variant of Uncertain Significance.

Ambry Genetics
Classification: Likely benign for Hereditary cancer-predisposing syndrome. Last evaluated: 2024-02-26. Review status: criteria provided, single submitter. Criteria: Ambry Variant Classification Scheme 2023. Collection method: clinical testing. Allele origin: germline.